The following is an entry in ClinVar:

NM_005228.5(EGFR):c.2370G>T (p.Thr790=)

Genes: EGFR (epidermal growth factor receptor; plus strand), EGFR-AS1 (EGFR antisense RNA 1; minus strand). Cytogenetic location: 7p11.2.
Variant type: single nucleotide variant.
Coding change: c.2370G>T on transcript NM_005228.5 (MANE Select); coding-DNA position 2370, G replaced by T.
Protein change: p.Thr790=; no amino-acid change (threonine 790 retained).
Molecular consequence: synonymous variant. On other transcripts: non-coding transcript variant (1).
Genome position (GRCh38, 1-based): chr7:55,181,379, G>T. VCF-style: chr7-55181379-G-T. GRCh37 (hg19) VCF-style: chr7-55249072-G-T.
Other names: c.2235G>T, p.Thr745= (NM_001346897.2, NM_001346899.2); c.2370G>T, p.Thr790= (NM_001346898.2); c.2211G>T, p.Thr737= (NM_001346900.2); c.1569G>T, p.Thr523= (NM_001346941.2); c.2370G>T (NM_005228.3).
Identifiers: ClinVar variation 1102587 (VCV001102587.11), dbSNP rs376452156, ClinGen allele CA455165168.
Genomic context (GRCh38, chr7:55,181,379, plus strand): 5'-CAACCCCCACGTGTGCCGCCTGCTGGGCATCTGCCTCACCTCCACCGTGCAGCTCATCAC[G>T]CAGCTCATGCCCTTCGGCTGCCTCCTGGACTATGTCCGGGAACACAAAGACAATATTGGC-3'
Protein context (NP_005219.2, residues 780-800): ICLTSTVQLI[Thr790=]QLMPFGCLLD

ClinVar aggregate classification (germline): Benign/Likely benign. Review status: criteria provided, multiple submitters, no conflicts (2 of 4 stars). 3 submissions from 3 submitters: Benign (1); Likely benign (2). Last evaluated 2026-07-27.

Conditions:
Hereditary cancer-predisposing syndrome. Also called: Neoplastic Syndromes, Hereditary; Tumor predisposition; Hereditary Cancer Syndrome; Hereditary neoplastic syndrome. Identifiers: Orphanet 140162, MedGen C0027672, MeSH D009386, MONDO:0015356.
Lung cancer. Also called: Lung cancer, somatic; Malignant tumor of lung. Identifiers: MedGen C0242379, MONDO:0008903, OMIM 211980.
EGFR-related lung cancer (EGFR). Identifiers: MedGen CN130014.

Submissions (3):

Ambry Genetics
Classification: Likely benign for Hereditary cancer-predisposing syndrome. Last evaluated: 2026-07-27. Review status: criteria provided, single submitter. Criteria: Ambry Variant Classification Scheme 2023. Collection method: clinical testing. Allele origin: germline.

Labcorp Genetics (formerly Invitae), Labcorp
Classification: Likely benign for EGFR-related lung cancer. Last evaluated: 2025-05-12. Review status: criteria provided, single submitter. Criteria: Invitae Variant Classification Sherloc (09022015). Collection method: clinical testing. Allele origin: germline.

Myriad Genetics, Inc.
Classification: Benign for Lung cancer. Last evaluated: 2024-10-16. Review status: criteria provided, single submitter. Criteria: Myriad Autosomal Dominant, Autosomal Recessive and X-Linked Classification Criteria (2023). Collection method: clinical testing. Allele origin: unknown.
Comment: This variant is considered benign. This variant is a silent/synonymous amino acid change and it is not expected to impact splicing.